The following is an entry in ClinVar:

NM_016589.4(TIMMDC1):c.783_791del (p.Asn261_Ala263del)

Gene: TIMMDC1 (translocase of inner mitochondrial membrane domain containing 1; plus strand). Cytogenetic location: 3q13.33.
Variant type: Deletion.
Coding change: c.783_791del on transcript NM_016589.4 (MANE Select); coding-DNA positions 783 to 791, 9 bases deleted (TGATGCTAA; older notation c.783_791delTGATGCTAA).
Protein change: p.Asn261_Ala263del.
Molecular consequence: inframe deletion.
Genome position (GRCh38, 1-based): chr3:119,523,681-119,523,689, TGATGCTAA deleted; deleting any 9 consecutive bases within chr3:119,523,679-119,523,689 gives the same sequence; the c. name uses the placement nearest the transcript's 3' end. VCF-style (leftmost placement, unchanged base first): chr3-119523678-GAATGATGCT-G. GRCh37 (hg19) VCF-style: chr3-119242525-GAATGATGCT-G.
Identifiers: ClinVar variation 2171974 (VCV002171974.4), dbSNP rs1560051351, ClinGen allele CA545575244.

ClinVar aggregate classification (germline): Uncertain significance (1 of 4 stars; one submission).

Submission:

Labcorp Genetics (formerly Invitae), Labcorp
Classification: Uncertain significance. Last evaluated: 2022-07-17. Review status: criteria provided, single submitter. Criteria: Invitae Variant Classification Sherloc (09022015). Collection method: clinical testing. Allele origin: germline.
Comment: This variant, c.783_791del, results in the deletion of 3 amino acid(s) of the TIMMDC1 protein (p.Asn261_Ala263del), but otherwise preserves the integrity of the reading frame. The frequency data for this variant in the population databases is considered unreliable, as metrics indicate poor data quality at this position in the gnomAD database. This variant has not been reported in the literature in individuals affected with TIMMDC1-related conditions. Experimental studies and prediction algorithms are not available or were not evaluated, and the functional significance of this variant is currently unknown. In summary, the available evidence is currently insufficient to determine the role of this variant in disease. Therefore, it has been classified as a Variant of Uncertain Significance.